The following is an entry in ClinVar:

NM_004006.3(DMD):c.1649G>A (p.Arg550His)

Gene: DMD (dystrophin; minus strand). Cytogenetic location: Xp21.1.
Variant type: single nucleotide variant.
Coding change: c.1649G>A on transcript NM_004006.3 (MANE Select); coding-DNA position 1649, G replaced by A.
Protein change: p.Arg550His; replaces arginine 550 with histidine.
Molecular consequence: missense variant.
Genome position (GRCh38, 1-based): chrX:32,573,800, C>T on the plus strand (G>A on the coding strand, the complement: DMD is on the minus strand). VCF-style: chrX-32573800-C-T. GRCh37 (hg19) VCF-style: chrX-32591917-C-T.
Other names: c.1625G>A, p.Arg542His (NM_000109.4); c.1637G>A, p.Arg546His (NM_004009.3); c.1280G>A, p.Arg427His (NM_004010.3); short protein forms R542H, R550H, R427H, R546H.
Identifiers: ClinVar variation 965534 (VCV000965534.11), dbSNP rs1424295439, ClinGen allele CA412673434.

ClinVar aggregate classification (germline): Uncertain significance. Review status: criteria provided, multiple submitters, no conflicts (2 of 4 stars). 4 submissions from 4 submitters: Uncertain significance (3). 1 of the submissions does not count toward it. Last evaluated 2024-01-02.

Conditions:
Cardiovascular phenotype. Identifiers: MedGen CN230736.
Duchenne muscular dystrophy (DMD). Also called: MUSCULAR DYSTROPHY, PSEUDOHYPERTROPHIC PROGRESSIVE, DUCHENNE TYPE; Duchenne Muscular Dystrophy (DMD). Identifiers: Orphanet 98896, MedGen C0013264, MONDO:0010679, OMIM 310200.
Dystrophin deficiency.
Becker muscular dystrophy (BMD). Also called: MUSCULAR DYSTROPHY, PSEUDOHYPERTROPHIC PROGRESSIVE, BECKER TYPE; Becker Muscular Dystrophy (BMD). Identifiers: Orphanet 98895, MedGen C0917713, MONDO:0010311, OMIM 300376.
Cardiomyopathy (CMYO). Also called: Cardiomyopathies. Identifiers: Orphanet 167848, MedGen C0878544, MONDO:0004994, HP:0001638. Inheritance: Various modes of inheritance.

Allele frequency attached by ClinVar (database versions not stated): gnomAD exomes 0.00001 and below 0.00001; TOPMed below 0.00001; gnomAD 0.00001.
gnomAD v4.1: 3 of 1,209,811 alleles (0.00025%); highest among the groups gnomAD compares: Non-Finnish European, 0.00022%; no homozygotes.

Submissions (4):

Labcorp Genetics (formerly Invitae), Labcorp
Classification: Uncertain significance for Duchenne muscular dystrophy. Last evaluated: 2024-01-02. Review status: criteria provided, single submitter. Criteria: Invitae Variant Classification Sherloc (09022015). Collection method: clinical testing. Allele origin: germline.
Comment: This sequence change replaces arginine, which is basic and polar, with histidine, which is basic and polar, at codon 550 of the DMD protein (p.Arg550His). The frequency data for this variant in the population databases is considered unreliable, as metrics indicate poor data quality at this position in the gnomAD database. This variant has not been reported in the literature in individuals affected with DMD-related conditions. ClinVar contains an entry for this variant (Variation ID: 965534). Advanced modeling of protein sequence and biophysical properties (such as structural, functional, and spatial information, amino acid conservation, physicochemical variation, residue mobility, and thermodynamic stability) performed at Invitae indicates that this missense variant is not expected to disrupt DMD protein function with a negative predictive value of 95%. In summary, the available evidence is currently insufficient to determine the role of this variant in disease. Therefore, it has been classified as a Variant of Uncertain Significance.

Ambry Genetics
Classification: Uncertain significance for Cardiovascular phenotype. Last evaluated: 2023-10-20. Review status: criteria provided, single submitter. Criteria: Ambry Variant Classification Scheme 2023. Collection method: clinical testing. Allele origin: germline.
Comment: The p.R550H variant (also known as c.1649G>A), located in coding exon 14 of the DMD gene, results from a G to A substitution at nucleotide position 1649. The arginine at codon 550 is replaced by histidine, an amino acid with highly similar properties. Based on data from gnomAD, the A allele has an overall frequency of 0.0015% (3/204512) total alleles studied, with no hemizygote(s) observed. The highest observed frequency was 0.0054% (1/18561) of Finnish alleles. This amino acid position is highly conserved in available vertebrate species. In addition, this alteration is predicted to be deleterious by in silico analysis. Since supporting evidence is limited at this time, the clinical significance of this alteration remains unclear.

GeneDx
Classification: Uncertain significance. Last evaluated: 2020-09-11. Review status: criteria provided, single submitter. Criteria: GeneDx Variant Classification Process June 2021. Collection method: clinical testing. Allele origin: germline. Affected: yes.
Comment: In silico analysis supports that this missense variant has a deleterious effect on protein structure/function; Missense variant in a gene in which most reported pathogenic variants are truncating/loss-of-function; Has not been previously published as pathogenic or benign to our knowledge

Natera, Inc.
Classification: Uncertain significance for Becker muscular dystrophy; Cardiomyopathy; Duchenne muscular dystrophy; Dystrophin deficiency. Last evaluated: 2020-04-21. Review status: no assertion criteria provided. Collection method: clinical testing. Allele origin: germline. Not counted in ClinVar's aggregate classification.